The following is an entry in ClinVar:

NM_004963.4(GUCY2C):c.920A>C (p.Asn307Thr)

Genes: GUCY2C (guanylate cyclase 2C; minus strand), GUCY2C-AS1 (GUCY2C antisense RNA 1; plus strand). Cytogenetic location: 12p12.3.
Variant type: single nucleotide variant.
Coding change: c.920A>C on transcript NM_004963.4 (MANE Select); coding-DNA position 920, A replaced by C.
Protein change: p.Asn307Thr; replaces asparagine 307 with threonine.
Molecular consequence: missense variant.
Genome position (GRCh38, 1-based): chr12:14,676,882, T>G on the plus strand (A>C on the coding strand, the complement: GUCY2C is on the minus strand). VCF-style: chr12-14676882-T-G. GRCh37 (hg19) VCF-style: chr12-14829816-T-G.
Other names: short protein forms N307T.
Identifiers: ClinVar variation 1462103 (VCV001462103.8), dbSNP rs1948244594, ClinGen allele CA384003274.
Genomic context (GRCh38, chr12:14,676,882, plus strand): 5'-AATTTATACTATAACATAAAATAATAGCTTACTGGTGATAGATTCCTGGAGAAAGAGCTA[T>G]TTAGAAGGGAATTCCCAGGAGACAGCGTCAGAACAAGGACATTTTTCATATAGTCAGGGG-3'
Protein context (NP_004954.2, residues 297-317): LTLSPGNSLL[Asn307Thr]SSFSRNLSPT

ClinVar aggregate classification (germline): Uncertain significance (1 of 4 stars; one submission).

Allele frequency attached by ClinVar (database versions not stated): TOPMed below 0.00001.
gnomAD v4.1: 2 of 1,516,620 alleles (0.00013%); no homozygotes.

Submission:

Labcorp Genetics (formerly Invitae), Labcorp
Classification: Uncertain significance. Last evaluated: 2025-03-18. Review status: criteria provided, single submitter. Criteria: Invitae Variant Classification Sherloc (09022015). Collection method: clinical testing. Allele origin: germline.
Comment: This sequence change replaces asparagine, which is neutral and polar, with threonine, which is neutral and polar, at codon 307 of the GUCY2C protein (p.Asn307Thr). This variant is not present in population databases (gnomAD no frequency). This variant has not been reported in the literature in individuals affected with GUCY2C-related conditions. ClinVar contains an entry for this variant (Variation ID: 1462103). Invitae Evidence Modeling of protein sequence and biophysical properties (such as structural, functional, and spatial information, amino acid conservation, physicochemical variation, residue mobility, and thermodynamic stability) indicates that this missense variant is not expected to disrupt GUCY2C protein function with a negative predictive value of 80%. In summary, the available evidence is currently insufficient to determine the role of this variant in disease. Therefore, it has been classified as a Variant of Uncertain Significance.